The following is an entry in ClinVar:

ClinVar aggregate classification (germline): Uncertain significance (1 of 4 stars; one submission).

gnomAD v4.1: 1 of 1,614,122 alleles (0.000062%); highest among the groups gnomAD compares: Non-Finnish European, 0.000085%; no homozygotes.

Submission:

Labcorp Genetics (formerly Invitae), Labcorp
Classification: Uncertain significance. Last evaluated: 2024-10-21. Review status: criteria provided, single submitter. Criteria: Invitae Variant Classification Sherloc (09022015). Collection method: clinical testing. Allele origin: germline.
Comment: This sequence change replaces methionine, which is neutral and non-polar, with valine, which is neutral and non-polar, at codon 905 of the MTOR protein (p.Met905Val). This variant is not present in population databases (gnomAD no frequency). This variant has not been reported in the literature in individuals affected with MTOR-related conditions. Invitae Evidence Modeling of protein sequence and biophysical properties (such as structural, functional, and spatial information, amino acid conservation, physicochemical variation, residue mobility, and thermodynamic stability) indicates that this missense variant is not expected to disrupt MTOR protein function with a negative predictive value of 95%. In summary, the available evidence is currently insufficient to determine the role of this variant in disease. Therefore, it has been classified as a Variant of Uncertain Significance.

NM_004958.4(MTOR):c.2713A>G (p.Met905Val)

Gene: MTOR (mechanistic target of rapamycin kinase; minus strand). Cytogenetic location: 1p36.22.
Variant type: single nucleotide variant.
Coding change: c.2713A>G on transcript NM_004958.4 (MANE Select); coding-DNA position 2713, A replaced by G.
Protein change: p.Met905Val; replaces methionine 905 with valine.
Molecular consequence: missense variant.
Genome position (GRCh38, 1-based): chr1:11,230,991, T>C on the plus strand (A>G on the coding strand, the complement: MTOR is on the minus strand). VCF-style: chr1-11230991-T-C. GRCh37 (hg19) VCF-style: chr1-11291048-T-C.
Other names: c.2713A>G, p.Met905Val (NM_001386500.1); c.1465A>G, p.Met489Val (NM_001386501.1); short protein forms M489V, M905V.
Identifiers: ClinVar variation 3701037 (VCV003701037.2).